The following is an entry in ClinVar:

NM_004006.3(DMD):c.7521C>T (p.Asn2507=)

Gene: DMD (dystrophin; minus strand). Cytogenetic location: Xp21.1.
Variant type: single nucleotide variant.
Coding change: c.7521C>T on transcript NM_004006.3 (MANE Select); coding-DNA position 7521, C replaced by T.
Protein change: p.Asn2507=; no amino-acid change (asparagine 2507 retained).
Molecular consequence: synonymous variant.
Genome position (GRCh38, 1-based): chrX:31,773,981, G>A on the plus strand (C>T on the coding strand, the complement: DMD is on the minus strand). VCF-style: chrX-31773981-G-A. GRCh37 (hg19) VCF-style: chrX-31792098-G-A.
Other names: c.7497C>T, p.Asn2499= (NM_000109.4); c.7509C>T, p.Asn2503= (NM_004009.3); c.7152C>T, p.Asn2384= (NM_004010.3); c.3498C>T, p.Asn1166= (NM_004011.4); c.3489C>T, p.Asn1163= (NM_004012.4); c.141C>T, p.Asn47= (NM_004013.3, NM_004020.4, NM_004021.3 and 2 more transcripts).
Identifiers: ClinVar variation 284947 (VCV000284947.32), dbSNP rs112516305, ClinGen allele CA10378266.

ClinVar aggregate classification (germline): Conflicting classifications of pathogenicity. Review status: criteria provided, conflicting classifications (1 of 4 stars). 10 submissions from 10 submitters: Uncertain significance (2); Benign (2); Likely benign (4). 2 of the submissions do not count toward it. Last evaluated 2026-02-01.

Conditions:
Dilated cardiomyopathy 3B (CMD3B). Also called: CMD3B: DMD-Related Dilated Cardiomyopathy; CARDIOMYOPATHY, DILATED, X-LINKED; DMD-Associated Dilated Cardiomyopathy. Identifiers: Orphanet 154, MedGen C3668940, MONDO:0010542, OMIM 302045.
DMD-related disorder. Also called: DMD-related condition.
Cardiomyopathy (CMYO). Also called: Cardiomyopathies. Identifiers: Orphanet 167848, MedGen C0878544, MONDO:0004994, HP:0001638. Inheritance: Various modes of inheritance.
Dystrophin deficiency.
Duchenne muscular dystrophy (DMD). Also called: MUSCULAR DYSTROPHY, PSEUDOHYPERTROPHIC PROGRESSIVE, DUCHENNE TYPE; Duchenne Muscular Dystrophy (DMD). Identifiers: Orphanet 98896, MedGen C0013264, MONDO:0010679, OMIM 310200.
Becker muscular dystrophy (BMD). Also called: Becker Muscular Dystrophy (BMD); MUSCULAR DYSTROPHY, PSEUDOHYPERTROPHIC PROGRESSIVE, BECKER TYPE. Identifiers: Orphanet 98895, MedGen C0917713, MONDO:0010311, OMIM 300376.
Cardiovascular phenotype. Identifiers: MedGen CN230736.

Allele frequency attached by ClinVar (database versions not stated): gnomAD 0.00019 and 0.00020; gnomAD exomes 0.00024 and 0.00041; ExAC 0.00032; ESP Exome Variant Server 0.00038; TOPMed 0.00010.
gnomAD v4.1: 461 of 1,205,000 alleles (0.038%); highest among the groups gnomAD compares: Non-Finnish European, 0.049%; 1 homozygote.

Submissions (10):

Labcorp Genetics (formerly Invitae), Labcorp
Classification: Benign for Duchenne muscular dystrophy. Last evaluated: 2026-02-01. Review status: criteria provided, single submitter. Criteria: Invitae Variant Classification Sherloc (09022015). Collection method: clinical testing. Allele origin: germline.

Women's Health and Genetics/Laboratory Corporation of America, LabCorp
Classification: Benign. Last evaluated: 2024-11-10. Review status: criteria provided, single submitter. Criteria: LabCorp Variant Classification Summary - May 2015. Collection method: clinical testing. Allele origin: germline.

Blueprint Genetics
Classification: Likely benign. Last evaluated: 2024-10-18. Review status: criteria provided, single submitter. Criteria: ACMG Guidelines, 2015. Collection method: clinical testing. Allele origin: germline.

GeneDx
Classification: Likely benign. Last evaluated: 2018-10-25. Review status: criteria provided, single submitter. Criteria: GeneDx Variant Classification Process June 2021. Collection method: clinical testing. Allele origin: germline. Affected: yes.

Illumina Laboratory Services, Illumina
Classification: Uncertain significance for Dilated cardiomyopathy 3B. Last evaluated: 2018-01-12. Review status: criteria provided, single submitter. Criteria: ICSL Variant Classification Criteria 13 December 2019. Collection method: clinical testing. Allele origin: germline.

Eurofins Ntd Llc (ga)
Classification: Uncertain significance. Last evaluated: 2017-12-07. Review status: criteria provided, single submitter. Criteria: EGL Classification Definitions 2015. Collection method: clinical testing. Allele origin: germline. Observed: 2 variant alleles, 1 heterozygote, 1 hemizygote.

Laboratory for Molecular Medicine, Mass General Brigham Personalized Medicine
Classification: Likely benign. Last evaluated: 2016-11-07. Review status: criteria provided, single submitter. Criteria: LMM Criteria. Collection method: clinical testing. Allele origin: germline. Observed: 1 variant allele.
Comment: p.Asn2507Asn in exon 51 of DMD: This variant is not expected to have clinical si gnificance because it does not alter an amino acid residue and is not located wi thin the splice consensus sequence. It has been identified in 27/47762 European chromosomes, including 8 hemizygotes, by the Exome Aggregation Consortium (ExAC; dbSNP rs112516305).

Ambry Genetics
Classification: Likely benign for Cardiovascular phenotype. Last evaluated: 2016-08-04. Review status: criteria provided, single submitter. Criteria: Ambry Variant Classification Scheme 2023. Collection method: clinical testing. Allele origin: germline.

PreventionGenetics, part of Exact Sciences
Classification: Likely benign for DMD-related condition. Last evaluated: 2020-02-04. Review status: no assertion criteria provided. Collection method: clinical testing. Allele origin: germline. Not counted in ClinVar's aggregate classification.
Comment: This variant is classified as likely benign based on ACMG/AMP sequence variant interpretation guidelines (Richards et al. 2015 PMID: 25741868, with internal and published modifications).

Natera, Inc.
Classification: Likely benign for Becker muscular dystrophy; Cardiomyopathy; Duchenne muscular dystrophy; Dystrophin deficiency. Last evaluated: 2017-10-18. Review status: no assertion criteria provided. Collection method: clinical testing. Allele origin: germline. Not counted in ClinVar's aggregate classification.